The following is an entry in ClinVar:

NM_001374736.1(DST):c.19058T>G (p.Ile6353Arg)

Gene: DST (dystonin; minus strand). Cytogenetic location: 6p12.1.
Variant type: single nucleotide variant.
Coding change: c.19058T>G on transcript NM_001374736.1 (MANE Select); coding-DNA position 19058, T replaced by G.
Protein change: p.Ile6353Arg; replaces isoleucine 6353 with arginine.
Molecular consequence: missense variant.
Genome position (GRCh38, 1-based): chr6:56,508,710, A>C on the plus strand (T>G on the coding strand, the complement: DST is on the minus strand). VCF-style: chr6-56508710-A-C. GRCh37 (hg19) VCF-style: chr6-56373508-A-C.
Other names: c.12701T>G, p.Ile4234Arg (NM_001144769.5); c.12287T>G, p.Ile4096Arg (NM_001144770.2); c.19058T>G, p.Ile6353Arg (NM_001374722.1); c.18098T>G, p.Ile6033Arg (NM_001374729.1); c.11840T>G, p.Ile3947Arg (NM_001374730.1); c.19085T>G, p.Ile6362Arg (NM_001374734.1); c.12167T>G, p.Ile4056Arg (NM_001386100.1, NM_183380.4); c.11189T>G, p.Ile3730Arg (NM_015548.5); short protein forms I3947R, I4096R, I4234R, I6033R, I6353R, I3730R, I4056R, I6362R.
Identifiers: ClinVar variation 1986998 (VCV001986998.4), dbSNP rs772763046, ClinGen allele CA3867083.

ClinVar aggregate classification (germline): Uncertain significance (1 of 4 stars; one submission).

Conditions:
Hereditary sensory and autonomic neuropathy type 6. Also called: Neuropathy, hereditary sensory and autonomic, type VI; HSAN VI. Identifiers: Orphanet 314381, MedGen C3539003, MONDO:0013839, OMIM 614653.
Epidermolysis bullosa simplex 3, localized or generalized intermediate, with BP230 deficiency (EBS3). Also called: Epidermolysis bullosa simplex due to BP230 deficiency; Epidermolysis bullosa simplex, autosomal recessive 2. Identifiers: Orphanet 412181, MedGen C3809470, MONDO:0014180, OMIM 615425.

Allele frequency attached by ClinVar (database versions not stated): ExAC 0.00002.
gnomAD v4.1: 3 of 1,613,732 alleles (0.00019%); highest among the groups gnomAD compares: Admixed American, 0.005%; no homozygotes.

Submission:

Labcorp Genetics (formerly Invitae), Labcorp
Classification: Uncertain significance for Epidermolysis bullosa simplex 3, localized or generalized intermediate, with BP230 deficiency; Hereditary sensory and autonomic neuropathy type 6. Last evaluated: 2022-01-16. Review status: criteria provided, single submitter. Criteria: Invitae Variant Classification Sherloc (09022015). Collection method: clinical testing. Allele origin: germline.
Comment: In summary, the available evidence is currently insufficient to determine the role of this variant in disease. Therefore, it has been classified as a Variant of Uncertain Significance. Experimental studies and prediction algorithms are not available or were not evaluated, and the functional significance of this variant is currently unknown. This variant has not been reported in the literature in individuals affected with DST-related conditions. This variant is present in population databases (rs772763046, gnomAD 0.009%). This sequence change replaces isoleucine, which is neutral and non-polar, with arginine, which is basic and polar, at codon 3730 of the DST protein (p.Ile3730Arg). The DST gene has multiple clinically relevant transcripts. This variant occurs in alternate transcript NM_015548.4, and corresponds to NM_001723.5:c.*106807T>G in the primary transcript.